The following is an entry in ClinVar:

NM_001035.3(RYR2):c.8157C>A (p.Tyr2719Ter)

Gene: RYR2 (ryanodine receptor 2; plus strand). Cytogenetic location: 1q43.
Variant type: single nucleotide variant.
Coding change: c.8157C>A on transcript NM_001035.3 (MANE Select); coding-DNA position 8157, C replaced by A.
Protein change: p.Tyr2719Ter; replaces tyrosine 2719 with a stop codon.
Molecular consequence: nonsense.
Genome position (GRCh38, 1-based): chr1:237,657,971, C>A. VCF-style: chr1-237657971-C-A. GRCh37 (hg19) VCF-style: chr1-237821271-C-A.
Other names: short protein forms Y2719*.
Identifiers: ClinVar variation 3649298 (VCV003649298.2).

ClinVar aggregate classification (germline): Uncertain significance (1 of 4 stars; one submission).

Conditions:
Catecholaminergic polymorphic ventricular tachycardia 1. Also called: RYR2-Related Catecholaminergic Polymorphic Ventricular Tachycardia; VENTRICULAR TACHYCARDIA, CATECHOLAMINERGIC POLYMORPHIC, 1, WITH OR WITHOUT ATRIAL DYSFUNCTION AND/OR DILATED CARDIOMYOPATHY; VENTRICULAR TACHYCARDIA, STRESS-INDUCED POLYMORPHIC 1. Identifiers: Orphanet 3286, MedGen C1631597, MONDO:0011484, OMIM 604772.

Submission:

Labcorp Genetics (formerly Invitae), Labcorp
Classification: Uncertain significance for Catecholaminergic polymorphic ventricular tachycardia 1. Last evaluated: 2024-04-14. Review status: criteria provided, single submitter. Criteria: Invitae Variant Classification Sherloc (09022015). Collection method: clinical testing. Allele origin: germline.
Comment: This sequence change creates a premature translational stop signal (p.Tyr2719*) in the RYR2 gene. It is expected to result in an absent or disrupted protein product. However, the current clinical and genetic evidence is not sufficient to establish whether loss-of-function variants in RYR2 cause disease. This variant is not present in population databases (gnomAD no frequency). This variant has not been reported in the literature in individuals affected with RYR2-related conditions. In summary, the available evidence is currently insufficient to determine the role of this variant in disease. Therefore, it has been classified as a Variant of Uncertain Significance.